The following is an entry in ClinVar:

ClinVar aggregate classification (germline): Conflicting classifications of pathogenicity. Review status: criteria provided, conflicting classifications (1 of 4 stars). 4 submissions from 4 submitters: Uncertain significance (3); Likely benign (1). Last evaluated 2025-08-11.

Conditions:
Autosomal recessive spastic paraplegia type 76. Identifiers: Orphanet 488594, MedGen C5567483, MONDO:0014827, OMIM 616907.

Allele frequency attached by ClinVar (database versions not stated): TOPMed 0.00016; gnomAD exomes 0.00018 and 0.00023; gnomAD 0.00019 and 0.00021; ExAC 0.00022; ESP Exome Variant Server 0.00024.
gnomAD v4.1: 281 of 1,598,862 alleles (0.018%); highest among the groups gnomAD compares: Non-Finnish European, 0.023%; no homozygotes.

Submissions (4):

Labcorp Genetics (formerly Invitae), Labcorp
Classification: Likely benign. Last evaluated: 2025-08-11. Review status: criteria provided, single submitter. Criteria: Invitae Variant Classification Sherloc (09022015). Collection method: clinical testing. Allele origin: germline.

CeGaT Center for Human Genetics Tuebingen
Classification: Uncertain significance. Last evaluated: 2025-02-01. Review status: criteria provided, single submitter. Criteria: CeGaT Center For Human Genetics Tuebingen Variant Classification Criteria Version 2. Collection method: clinical testing. Allele origin: germline. Affected: yes. Observed: 2 variant alleles.
Comment: CAPN1: PP3

3billion
Classification: Uncertain significance for Autosomal recessive spastic paraplegia type 76. Last evaluated: 2024-09-05. Review status: criteria provided, single submitter. Criteria: ACMG Guidelines, 2015. Collection method: clinical testing. Allele origin: germline. Affected: yes.
Comment: The variant is observed at an extremely low frequency in the gnomAD v4.0.0 dataset (total allele frequency: 0.018%). Predicted Consequence/Location: Intron variant In silico tools predict the variant to alter splicing and produce an abnormal transcript [SpliceAI: 0.99 (>=0.2, moderate evidence for spliceogenicity)]. Therefore, this variant is classified as VUS according to the recommendation of ACMG/AMP guideline.

Department of Pathology and Laboratory Medicine, Sinai Health System
Classification: Uncertain significance for Autosomal recessive spastic paraplegia type 76. Last evaluated: 2022-11-14. Review status: criteria provided, single submitter. Criteria: ACMG Guidelines, 2015. Collection method: research. Allele origin: germline.

NM_005186.4(CAPN1):c.1341+7A>T

Gene: CAPN1 (calpain 1; plus strand). Cytogenetic location: 11q13.1.
Variant type: single nucleotide variant.
Coding change: c.1341+7A>T on transcript NM_005186.4 (MANE Select); 7 bases into the intron after coding-DNA position 1341, A replaced by T.
Molecular consequence: intron variant.
Genome position (GRCh38, 1-based): chr11:65,204,865, A>T. VCF-style: chr11-65204865-A-T. GRCh37 (hg19) VCF-style: chr11-64972336-A-T.
Other names: c.1341+7A>T (NM_001198868.2, NM_001198869.2).
Identifiers: ClinVar variation 1570240 (VCV001570240.32), dbSNP rs368589277, ClinGen allele CA6093372.